The following is an entry in ClinVar:

NM_001366418.1(SETDB1):c.1621T>A (p.Ser541Thr)

Gene: SETDB1 (SET domain bifurcated histone lysine methyltransferase 1; plus strand). Cytogenetic location: 1q21.3.
Variant type: single nucleotide variant.
Coding change: c.1621T>A on transcript NM_001366418.1 (MANE Select); coding-DNA position 1621, T replaced by A.
Protein change: p.Ser541Thr; replaces serine 541 with threonine.
Molecular consequence: missense variant. On other transcripts: non-coding transcript variant (1).
Genome position (GRCh38, 1-based): chr1:150,950,495, T>A. VCF-style: chr1-150950495-T-A. GRCh37 (hg19) VCF-style: chr1-150922971-T-A.
Other names: c.1618T>A, p.Ser540Thr (NM_001145415.2, NM_001393960.1, NM_012432.4); c.1621T>A, p.Ser541Thr (NM_001366417.1, NM_001393958.1, NM_001393959.1 and 1 more transcripts); short protein forms S540T, S541T.
Identifiers: ClinVar variation 5020930 (VCV005020930.1).

ClinVar aggregate classification (germline): Uncertain significance (1 of 4 stars; one submission).

Submission:

Dasa
Classification: Uncertain significance. Last evaluated: 2025-06-25. Review status: criteria provided, single submitter. Criteria: DASA Assertion Criteria. Collection method: clinical testing. Allele origin: germline.
Comment: NM_001366418.1(SETDB1):c.1621T>A (p.Ser541Thr) is a missense variant that results in the substitution of serine with threonine. This variant is absent from population databases. Computational prediction algorithms are consistent with a benign effect. The currently available literature and clinical evidence are not sufficient to establish a definitive association between this variant and the reported condition. Therefore, this variant is classified as a variant of uncertain significance.